The following is an entry in ClinVar:

NM_014251.3(SLC25A13):c.1671C>T (p.Thr557=)

Gene: SLC25A13 (solute carrier family 25 member 13; minus strand). Cytogenetic location: 7q21.3.
Variant type: single nucleotide variant.
Coding change: c.1671C>T on transcript NM_014251.3 (MANE Select); coding-DNA position 1671, C replaced by T.
Protein change: p.Thr557=; no amino-acid change (threonine 557 retained).
Molecular consequence: synonymous variant. On other transcripts: non-coding transcript variant (1).
Genome position (GRCh38, 1-based): chr7:96,121,918, G>A on the plus strand (C>T on the coding strand, the complement: SLC25A13 is on the minus strand). VCF-style: chr7-96121918-G-A. GRCh37 (hg19) VCF-style: chr7-95751230-G-A.
Other names: p.Thr557=; c.1674C>T, p.Thr558= (NM_001160210.2).
Identifiers: ClinVar variation 361013 (VCV000361013.30), dbSNP rs79886797, ClinGen allele CA4352823.

ClinVar aggregate classification (germline): Benign/Likely benign. Review status: criteria provided, multiple submitters, no conflicts (2 of 4 stars). 8 submissions from 8 submitters: Benign (6); Likely benign (1). 1 of the submissions does not count toward it. Last evaluated 2026-02-04.

Conditions:
Citrullinemia. Identifiers: Orphanet 187, MedGen C0175683, MONDO:0015991.
Citrin deficiency. Identifiers: Orphanet 247582, MedGen C1997910, MONDO:0016602.
Citrullinemia type II. Also called: Citrullinemia Type II (CTLN2). Identifiers: Orphanet 247585, MedGen C1863844, MONDO:0016603.

Allele frequency attached by ClinVar (database versions not stated): gnomAD exomes 0.00306; ExAC 0.00382; gnomAD 0.01204 and 0.01284; ESP Exome Variant Server 0.01338; TOPMed 0.01354; 1000 Genomes Project 0.01438; 1000 Genomes Project 30x 0.01483.
gnomAD v4.1: 3,611 of 1,614,078 alleles (0.22%); highest among the groups gnomAD compares: African/African-American, 4.2%; 76 homozygotes.

Submissions (8):

Labcorp Genetics (formerly Invitae), Labcorp
Classification: Benign for Citrin deficiency. Last evaluated: 2026-02-04. Review status: criteria provided, single submitter. Criteria: Invitae Variant Classification Sherloc (09022015). Collection method: clinical testing. Allele origin: germline.

Mayo Clinic Laboratories, Mayo Clinic
Classification: Benign. Last evaluated: 2025-01-07. Review status: criteria provided, single submitter. Criteria: ACMG Guidelines, 2015. Collection method: clinical testing. Allele origin: germline. Observed: 13 variant alleles.
Comment: BA1, BP4, BP7

ARUP Laboratories, Molecular Genetics and Genomics, ARUP Laboratories
Classification: Benign. Last evaluated: 2019-11-07. Review status: criteria provided, single submitter. Criteria: ARUP Molecular Germline Variant Investigation Process. Collection method: clinical testing. Allele origin: germline.

Illumina Laboratory Services, Illumina
Classification: Benign for Citrullinemia, type II, adult-onset. Last evaluated: 2018-01-13. Review status: criteria provided, single submitter. Criteria: ICSL Variant Classification Criteria 13 December 2019. Collection method: clinical testing. Allele origin: germline.
Comment: This variant was observed in the ICSL laboratory as part of a predisposition screen in an ostensibly healthy population. It had not been previously curated by ICSL or reported in the Human Gene Mutation Database (HGMD: prior to June 1st, 2018), and was therefore a candidate for classification through an automated scoring system. Utilizing variant allele frequency, disease prevalence and penetrance estimates, and inheritance mode, an automated score was calculated to assess if this variant is too frequent to cause the disease. Based on the score and internal cut-off values, a variant classified as benign is not then subjected to further curation. The score for this variant resulted in a classification of benign for this disease.

Eurofins Ntd Llc (ga)
Classification: Benign. Last evaluated: 2017-09-27. Review status: criteria provided, single submitter. Criteria: EGL Classification Definitions 2015. Collection method: clinical testing. Allele origin: germline. Observed: 1 variant allele, 1 heterozygote.

GeneDx
Classification: Benign. Last evaluated: 2015-03-03. Review status: criteria provided, single submitter. Criteria: GeneDx Variant Classification Process June 2021. Collection method: clinical testing. Allele origin: germline. Affected: yes.

Breakthrough Genomics
Classification: Likely benign. Review status: criteria provided, single submitter. Criteria: ACMG Guidelines, 2015. Collection method: not provided. Allele origin: germline. Inheritance: Autosomal recessive inheritance. Affected: yes.

Natera, Inc.
Classification: Benign for Citrullinemia. Last evaluated: 2020-09-16. Review status: no assertion criteria provided. Collection method: clinical testing. Allele origin: germline. Not counted in ClinVar's aggregate classification.